The following is an entry in ClinVar:

NM_000214.3(JAG1):c.958T>C (p.Tyr320His)

Gene: JAG1 (jagged canonical Notch ligand 1; minus strand). Cytogenetic location: 20p12.2.
Variant type: single nucleotide variant.
Coding change: c.958T>C on transcript NM_000214.3 (MANE Select); coding-DNA position 958, T replaced by C.
Protein change: p.Tyr320His; replaces tyrosine 320 with histidine.
Molecular consequence: missense variant.
Genome position (GRCh38, 1-based): chr20:10,652,179, A>G on the plus strand (T>C on the coding strand, the complement: JAG1 is on the minus strand). VCF-style: chr20-10652179-A-G. GRCh37 (hg19) VCF-style: chr20-10632827-A-G.
Other names: short protein forms Y320H.
Identifiers: ClinVar variation 1349103 (VCV001349103.8), dbSNP rs2122614423, ClinGen allele CA408239013.

ClinVar aggregate classification (germline): Uncertain significance (1 of 4 stars; one submission).

Conditions:
Alagille syndrome due to a JAG1 point mutation. Also called: HEPATIC DUCTULAR HYPOPLASIA, SYNDROMATIC; Alagille Syndrome 1; JAG1-Related Alagille Syndrome. Identifiers: Orphanet 261619, Orphanet 52, MedGen C1956125, MONDO:0016862, OMIM 118450.

Submission:

Labcorp Genetics (formerly Invitae), Labcorp
Classification: Uncertain significance for Alagille syndrome due to a JAG1 point mutation. Last evaluated: 2022-03-10. Review status: criteria provided, single submitter. Criteria: Invitae Variant Classification Sherloc (09022015). Collection method: clinical testing. Allele origin: germline.
Comment: This sequence change replaces tyrosine, which is neutral and polar, with histidine, which is basic and polar, at codon 320 of the JAG1 protein (p.Tyr320His). In summary, the available evidence is currently insufficient to determine the role of this variant in disease. Therefore, it has been classified as a Variant of Uncertain Significance. Advanced modeling of protein sequence and biophysical properties (such as structural, functional, and spatial information, amino acid conservation, physicochemical variation, residue mobility, and thermodynamic stability) performed at Invitae indicates that this missense variant is expected to disrupt JAG1 protein function. This variant has not been reported in the literature in individuals affected with JAG1-related conditions. This variant is not present in population databases (gnomAD no frequency).